The following is an entry in ClinVar:

NM_000053.4(ATP7B):c.3713_3714del (p.Lys1238fs)

Gene: ATP7B (ATPase copper transporting beta; minus strand). Cytogenetic location: 13q14.3.
Variant type: Deletion.
Coding change: c.3713_3714del on transcript NM_000053.4 (MANE Select); coding-DNA positions 3713 to 3714, 2 bases deleted (AA; older notation c.3713_3714delAA).
Protein change: p.Lys1238fs; shifts the reading frame from lysine 1238.
Molecular consequence: frameshift variant. On other transcripts: intron variant (1).
Genome position (GRCh38, 1-based): chr13:51,937,665-51,937,666, TT deleted on the plus strand (AA on the coding strand, the reverse complement: ATP7B is on the minus strand); deleting any 2 consecutive bases within chr13:51,937,665-51,937,667 gives the same sequence; the c. name uses the placement nearest the transcript's 3' end. VCF-style (leftmost placement, unchanged base first): chr13-51937664-CTT-C. GRCh37 (hg19) VCF-style: chr13-52511800-CTT-C.
Other names: c.3092_3093del, p.Lys1031fs (NM_001005918.3); c.3380_3381del, p.Lys1127fs (NM_001243182.2); c.3479_3480del, p.Lys1160fs (NM_001330578.2, NM_001406527.1, NM_001406528.1); c.3461_3462del, p.Lys1154fs (NM_001330579.2, NM_001406531.1, NM_001406532.1); c.3713_3714del, p.Lys1238fs (NM_001406511.1, NM_001406512.1); c.3707_3708del, p.Lys1236fs (NM_001406513.1); c.3680_3681del, p.Lys1227fs (NM_001406514.1); c.3659_3660del, p.Lys1220fs (NM_001406515.1, NM_001406516.1); and 21 more; short protein forms K1031fs, K1112fs, K1125fs, K1142fs, K1179fs, K1206fs, K1022fs, K1089fs.
Identifiers: ClinVar variation 4710098 (VCV004710098.5).

ClinVar aggregate classification (germline): Pathogenic/Likely pathogenic. Review status: criteria provided, multiple submitters, no conflicts (2 of 4 stars). 4 submissions from 4 submitters: Pathogenic (2); Likely pathogenic (2). Last evaluated 2026-08-06.

Conditions:
Wilson disease (WND). Also called: Wilson's disease. Identifiers: Orphanet 905, MedGen C0019202, MONDO:0010200, OMIM 277900. Disease mechanism: loss of function.

Submissions (4):

OLLIN Analises Genomicas, OLLIN
Classification: Likely pathogenic for Wilson disease. Last evaluated: 2026-08-06. Review status: criteria provided, single submitter. Criteria: ACMG Guidelines 2015 PMID 25741868. Collection method: clinical testing. Allele origin: germline. Inheritance: Autosomal recessive inheritance.
Comment: This frameshift variant, located in exon 18 (of 21), is absent from gnomAD and ClinVar and has not been identified in the literature. This variant causes a frameshift and introduces a premature stop codon, which is predicted to result in either a truncated protein or degradation of the mRNA via nonsense-mediated decay (NMD). According to the currently available evidence, this variant has been classified as likely pathogenic (PVS1, PM2_P).

Dasa
Classification: Likely pathogenic. Last evaluated: 2025-11-18. Review status: criteria provided, single submitter. Criteria: DASA Assertion Criteria. Collection method: clinical testing. Allele origin: germline.
Comment: NM_000053.4(ATP7B):c.3713_3714del (p.Lys1238Serfs*20) is a frameshift variant in ATP7B predicted to alter the reading frame and introduce a premature termination codon and is predicted to result in an absent or altered protein product. Loss of function is an established disease mechanism for ATP7B-associated disorders. Also, this variant is absent from population databases. Based on the currently available evidence, this variant is classified as likely pathogenic.

Labcorp Genetics (formerly Invitae), Labcorp
Classification: Pathogenic for Wilson disease. Last evaluated: 2025-11-12. Review status: criteria provided, single submitter. Criteria: Invitae Variant Classification Sherloc (09022015). Collection method: clinical testing. Allele origin: germline.
Comment: This sequence change creates a premature translational stop signal (p.Lys1238Serfs*20) in the ATP7B gene. It is expected to result in an absent or disrupted protein product. Loss-of-function variants in ATP7B are known to be pathogenic (PMID: 10441329, 16283883). This variant is not present in population databases (gnomAD no frequency). This premature translational stop signal has been observed in individual(s) with Wilson disease (PMID: 8938442). For these reasons, this variant has been classified as Pathogenic.

Myriad Genetics, Inc.
Classification: Pathogenic for Wilson disease. Last evaluated: 2023-12-06. Review status: criteria provided, single submitter. Criteria: Myriad Autosomal Dominant, Autosomal Recessive and X-Linked Classification Criteria (2023). Collection method: clinical testing. Allele origin: unknown.
Comment: NM_000053.3(ATP7B):c.3713_3714delAA(K1238Sfs*20) is expected to be pathogenic in the context of Wilson disease. This variant is predicted to lead to an abnormal or absent protein product due to the creation of a premature termination codon in ATP7B, a gene where loss-of-function variants are known to be pathogenic. Please note: this variant was assessed in the context of healthy population screening.

Literature cited by the submitters: PubMed 10441329 (cited by Labcorp Genetics (formerly Invitae), Labcorp); PubMed 16283883 (cited by Labcorp Genetics (formerly Invitae), Labcorp); PubMed 8938442 (cited by Labcorp Genetics (formerly Invitae), Labcorp).